The following is an entry in ClinVar:

ClinVar aggregate classification (germline): Uncertain significance. Review status: criteria provided, multiple submitters, no conflicts (2 of 4 stars). 2 submissions from 2 submitters: Uncertain significance (2). Last evaluated 2024-12-03.

Conditions:
Vici syndrome (VICIS). Identifiers: Orphanet 1493, MedGen C1855772, MONDO:0009452, OMIM 242840.
Inborn genetic diseases. Identifiers: MedGen C0950123, MeSH D030342.

Allele frequency attached by ClinVar (database versions not stated): ExAC 0.00002; gnomAD 0.00003; TOPMed 0.00003; gnomAD exomes 0.00006; ESP Exome Variant Server 0.00017.
gnomAD v4.1: 290 of 1,613,782 alleles (0.018%); highest among the groups gnomAD compares: Non-Finnish European, 0.024%; no homozygotes.

Submissions (2):

Ambry Genetics
Classification: Uncertain significance for Inborn genetic diseases. Last evaluated: 2024-12-03. Review status: criteria provided, single submitter. Criteria: Ambry Variant Classification Scheme 2023. Collection method: clinical testing. Allele origin: germline.

Labcorp Genetics (formerly Invitae), Labcorp
Classification: Uncertain significance for Vici syndrome. Last evaluated: 2022-04-23. Review status: criteria provided, single submitter. Criteria: Invitae Variant Classification Sherloc (09022015). Collection method: clinical testing. Allele origin: germline.
Comment: This sequence change replaces threonine, which is neutral and polar, with arginine, which is basic and polar, at codon 604 of the EPG5 protein (p.Thr604Arg). This variant is present in population databases (rs373011809, gnomAD 0.01%). This variant has not been reported in the literature in individuals affected with EPG5-related conditions. ClinVar contains an entry for this variant (Variation ID: 961219). Algorithms developed to predict the effect of missense changes on protein structure and function are either unavailable or do not agree on the potential impact of this missense change (SIFT: "Tolerated"; PolyPhen-2: "Probably Damaging"; Align-GVGD: "Class C0"). In summary, the available evidence is currently insufficient to determine the role of this variant in disease. Therefore, it has been classified as a Variant of Uncertain Significance.

NM_020964.3(EPG5):c.1811C>G (p.Thr604Arg)

Gene: EPG5 (ectopic P-granules 5 autophagy tethering factor; minus strand). Cytogenetic location: 18q21.1.
Variant type: single nucleotide variant.
Coding change: c.1811C>G on transcript NM_020964.3 (MANE Select); coding-DNA position 1811, C replaced by G.
Protein change: p.Thr604Arg; replaces threonine 604 with arginine.
Molecular consequence: missense variant.
Genome position (GRCh38, 1-based): chr18:45,943,293, G>C on the plus strand (C>G on the coding strand, the complement: EPG5 is on the minus strand). VCF-style: chr18-45943293-G-C. GRCh37 (hg19) VCF-style: chr18-43523259-G-C.
Other names: short protein forms T604R.
Identifiers: ClinVar variation 961219 (VCV000961219.9), dbSNP rs373011809, ClinGen allele CA8949597.